The following is an entry in ClinVar:

NM_015884.4(MBTPS2):c.19G>C (p.Val7Leu)

Gene: MBTPS2 (membrane bound transcription factor peptidase, site 2; plus strand). Cytogenetic location: Xp22.12.
Variant type: single nucleotide variant.
Coding change: c.19G>C on transcript NM_015884.4 (MANE Select); coding-DNA position 19, G replaced by C.
Protein change: p.Val7Leu; replaces valine 7 with leucine.
Molecular consequence: missense variant.
Genome position (GRCh38, 1-based): chrX:21,839,753, G>C. VCF-style: chrX-21839753-G-C. GRCh37 (hg19) VCF-style: chrX-21857871-G-C.
Other names: short protein forms V7L.
Identifiers: ClinVar variation 2518607 (VCV002518607.5), dbSNP rs748678625, ClinGen allele CA10367272.

ClinVar aggregate classification (germline): Conflicting classifications of pathogenicity. Review status: criteria provided, conflicting classifications (1 of 4 stars). 2 submissions from 2 submitters: Uncertain significance (1); Likely benign (1). Last evaluated 2025-03-17.

Conditions:
Inborn genetic diseases. Identifiers: MedGen C0950123, MeSH D030342.

Allele frequency attached by ClinVar (database versions not stated): gnomAD 0.00005; TOPMed 0.00005; gnomAD exomes 0.00002; ExAC 0.00028.
gnomAD v4.1: 23 of 1,157,627 alleles (0.002%); highest among the groups gnomAD compares: East Asian, 0.066%; no homozygotes.

Submissions (2):

Labcorp Genetics (formerly Invitae), Labcorp
Classification: Uncertain significance. Last evaluated: 2025-03-17. Review status: criteria provided, single submitter. Criteria: Invitae Variant Classification Sherloc (09022015). Collection method: clinical testing. Allele origin: germline.
Comment: This sequence change replaces valine, which is neutral and non-polar, with leucine, which is neutral and non-polar, at codon 7 of the MBTPS2 protein (p.Val7Leu). The frequency data for this variant in the population databases is considered unreliable, as metrics indicate poor data quality at this position in the gnomAD database. This variant has not been reported in the literature in individuals affected with MBTPS2-related conditions. ClinVar contains an entry for this variant (Variation ID: 2518607). Invitae Evidence Modeling of protein sequence and biophysical properties (such as structural, functional, and spatial information, amino acid conservation, physicochemical variation, residue mobility, and thermodynamic stability) indicates that this missense variant is not expected to disrupt MBTPS2 protein function with a negative predictive value of 95%. In summary, the available evidence is currently insufficient to determine the role of this variant in disease. Therefore, it has been classified as a Variant of Uncertain Significance.

Ambry Genetics
Classification: Likely benign for Inborn genetic diseases. Last evaluated: 2023-05-24. Review status: criteria provided, single submitter. Criteria: Ambry Variant Classification Scheme 2023. Collection method: clinical testing. Allele origin: germline.